The following is an entry in ClinVar:

ClinVar aggregate classification (germline): Pathogenic (1 of 4 stars; one submission).

Conditions:
Waardenburg syndrome type 2E (WS2E). Also called: WAARDENBURG SYNDROME, TYPE 2E, WITH OR WITHOUT NEUROLOGIC INVOLVEMENT; WS2E, WITH OR WITHOUT NEUROLOGIC INVOLVEMENT; HYPOGONADOTROPIC HYPOGONADISM WITH ANOSMIA AND DEAFNESS, WITH OR WITHOUT HYPOPIGMENTATION. Identifiers: Orphanet 3440, MedGen C2700405, MONDO:0012698, OMIM 611584.

Submission:

Precision Medicine Center, Zhengzhou University
Classification: Pathogenic for Waardenburg syndrome type 2E. Review status: criteria provided, single submitter. Criteria: ACMG Guidelines, 2015. Collection method: research. Allele origin: germline. Affected: yes. Observed: 1 variant allele.
Comment: PVS1+PM2+PP3

NM_006941.4(SOX10):c.529_556del (p.Arg177fs)

Genes: POLR2F (RNA polymerase II, I and III subunit F; plus strand), SOX10 (SRY-box transcription factor 10; minus strand). Cytogenetic location: 22q13.1.
Variant type: Deletion.
Coding change: c.529_556del on transcript NM_006941.4 (MANE Select); coding-DNA positions 529 to 556, 28 bases deleted (CGGCGGAAGAACGGGAAGGCCGCCCAGG).
Protein change: p.Arg177fs; shifts the reading frame from arginine 177.
Molecular consequence: frameshift variant. On other transcripts: intron variant (3).
Genome position (GRCh38, 1-based): chr22:37,978,008-37,978,035, CCTGGGCGGCCTTCCCGTTCTTCCGCCG deleted on the plus strand (CGGCGGAAGAACGGGAAGGCCGCCCAGG on the coding strand, the reverse complement: SOX10 is on the minus strand); deleting any 28 consecutive bases within chr22:37,978,008-37,978,042 gives the same sequence; the c. name uses the placement nearest the transcript's 3' end. VCF-style (leftmost placement, unchanged base first): chr22-37978007-CCCTGGGCGGCCTTCCCGTTCTTCCGCCG-C. GRCh37 (hg19) VCF-style: chr22-38374014-CCCTGGGCGGCCTTCCCGTTCTTCCGCCG-C.
Other names: c.*38+5705_*38+5732del (NM_001363825.1); c.294-8139_294-8112del (NM_001301130.2); c.293+10845_293+10872del (NM_001301131.2); short protein forms R177fs.
Identifiers: ClinVar variation 1048555 (VCV001048555.4), dbSNP rs2145768352, ClinGen allele CA2499226183.